The following is an entry in ClinVar:

ClinVar aggregate classification (germline): Uncertain significance. Review status: criteria provided, multiple submitters, no conflicts (2 of 4 stars). 2 submissions from 2 submitters: Uncertain significance (2). Last evaluated 2025-09-10.

Conditions:
Inborn genetic diseases. Identifiers: MedGen C0950123, MeSH D030342.
Leukocyte adhesion deficiency 1 (LAD1). Also called: LEUKOCYTE ADHESION DEFICIENCY, TYPE I; LAD 1; Lymphocyte function-associated antigen 1 immunodeficiency; LFA 1 immunodeficiency. Identifiers: Orphanet 2968, Orphanet 99842, MedGen C0398738, MONDO:0007293, OMIM 116920.

Allele frequency attached by ClinVar (database versions not stated): gnomAD 0.00001; gnomAD exomes 0.00001; TOPMed 0.00001.
gnomAD v4.1: 19 of 1,613,114 alleles (0.0012%); highest among the groups gnomAD compares: Non-Finnish European, 0.0014%; no homozygotes.

Submissions (2):

Ambry Genetics
Classification: Uncertain significance for Inborn genetic diseases. Last evaluated: 2025-09-10. Review status: criteria provided, single submitter. Criteria: Ambry Variant Classification Scheme 2023. Collection method: clinical testing. Allele origin: germline.

Labcorp Genetics (formerly Invitae), Labcorp
Classification: Uncertain significance for Leukocyte adhesion deficiency 1. Last evaluated: 2019-06-26. Review status: criteria provided, single submitter. Criteria: Invitae Variant Classification Sherloc (09022015). Collection method: clinical testing. Allele origin: germline.
Comment: Algorithms developed to predict the effect of missense changes on protein structure and function are either unavailable or do not agree on the potential impact of this missense change (SIFT: "Deleterious"; PolyPhen-2: "Benign"; Align-GVGD: "Class C65"). This variant has not been reported in the literature in individuals with ITGB2-related conditions. In summary, the available evidence is currently insufficient to determine the role of this variant in disease. Therefore, it has been classified as a Variant of Uncertain Significance. This sequence change replaces glycine with aspartic acid at codon 475 of the ITGB2 protein (p.Gly475Asp). The glycine residue is highly conserved and there is a moderate physicochemical difference between glycine and aspartic acid. This variant is not present in population databases (ExAC no frequency).

NM_000211.5(ITGB2):c.1424G>A (p.Gly475Asp)

Gene: ITGB2 (integrin subunit beta 2; minus strand). Cytogenetic location: 21q22.3.
Variant type: single nucleotide variant.
Coding change: c.1424G>A on transcript NM_000211.5 (MANE Select); coding-DNA position 1424, G replaced by A.
Protein change: p.Gly475Asp; replaces glycine 475 with aspartic acid.
Molecular consequence: missense variant.
Genome position (GRCh38, 1-based): chr21:44,890,211, C>T on the plus strand (G>A on the coding strand, the complement: ITGB2 is on the minus strand). VCF-style: chr21-44890211-C-T. GRCh37 (hg19) VCF-style: chr21-46310126-C-T.
Other names: c.1424G>A, p.Gly475Asp (NM_001127491.3); c.1217G>A, p.Gly406Asp (NM_001303238.2); c.1424G>A (NM_000211.3); short protein forms G406D, G475D.
Identifiers: ClinVar variation 947365 (VCV000947365.10), dbSNP rs1460164455, ClinGen allele CA410484888.